The following is an entry in ClinVar:

NM_000158.4(GBE1):c.1286dup (p.Gly430fs)

Gene: GBE1 (1,4-alpha-glucan branching enzyme 1; minus strand). Cytogenetic location: 3p12.2.
Variant type: Duplication.
Coding change: c.1286dup on transcript NM_000158.4 (MANE Select); coding-DNA position 1286, one base duplicated (G; older notation c.1286dupG).
Protein change: p.Gly430fs; shifts the reading frame from glycine 430.
Molecular consequence: frameshift variant.
Genome position (GRCh38, 1-based): chr3:81,586,141, C duplicated on the plus strand (G on the coding strand, the reverse complement: GBE1 is on the minus strand); the first of 5 consecutive C bases (chr3:81,586,141-81,586,145); duplicating any one gives the same sequence. VCF-style (leftmost placement, unchanged base first): chr3-81586140-A-AC. GRCh37 (hg19) VCF-style: chr3-81635291-A-AC.
Other names: short protein forms G430fs.
Identifiers: ClinVar variation 5010540 (VCV005010540.1).

ClinVar aggregate classification (germline): Pathogenic (1 of 4 stars; one submission).

Conditions:
Glycogen storage disease, type IV (GSD4). Also called: AMYLOPECTINOSIS; ANDERSEN DISEASE; BRANCHER DEFICIENCY; CIRRHOSIS, FAMILIAL, WITH DEPOSITION OF ABNORMAL GLYCOGEN; GBE1 DEFICIENCY; GLYCOGEN BRANCHING ENZYME DEFICIENCY. Identifiers: Orphanet 367, MedGen C0017923, MONDO:0009292, OMIM 232500.

Submission:

Myriad Genetics, Inc.
Classification: Pathogenic for Glycogen storage disease, type IV. Last evaluated: 2024-05-14. Review status: criteria provided, single submitter. Criteria: Myriad Autosomal Dominant, Autosomal Recessive and X-Linked Classification Criteria (2023). Collection method: clinical testing. Allele origin: unknown.
Comment: NM_000158.3(GBE1):c.1286dupG(G430Wfs*3) is expected to be pathogenic in the context of glycogen storage disease, GBE1-related. This variant is predicted to lead to an abnormal or absent protein product due to the creation of a premature termination codon in GBE1, a gene where loss-of-function variants are known to be pathogenic. Please note: this variant was assessed in the context of healthy population screening.